The following is an entry in ClinVar:

ClinVar aggregate classification (germline): Uncertain significance. Review status: criteria provided, multiple submitters, no conflicts (2 of 4 stars). 2 submissions from 2 submitters: Uncertain significance (2). Last evaluated 2023-06-30.

Conditions:
Inborn genetic diseases. Identifiers: MedGen C0950123, MeSH D030342.
Erythrocytosis, familial, 4 (ECYT4). Identifiers: Orphanet 247511, MedGen C2673187, MONDO:0012729, OMIM 611783.

Allele frequency attached by ClinVar (database versions not stated): gnomAD exomes below 0.00001.
gnomAD v4.1: 2 of 1,613,980 alleles (0.00012%); highest among the groups gnomAD compares: East Asian, 0.0045%; no homozygotes.

Submissions (2):

Ambry Genetics
Classification: Uncertain significance for Inborn genetic diseases. Last evaluated: 2023-06-30. Review status: criteria provided, single submitter. Criteria: Ambry Variant Classification Scheme 2023. Collection method: clinical testing. Allele origin: germline.
Comment: The p.S703A variant (also known as c.2107T>G), located in coding exon 13 of the EPAS1 gene, results from a T to G substitution at nucleotide position 2107. The serine at codon 703 is replaced by alanine, an amino acid with similar properties. This amino acid position is conserved. In addition, this alteration is predicted to be tolerated by in silico analysis. Since supporting evidence is limited at this time, the clinical significance of this alteration remains unclear.

Illumina Laboratory Services, Illumina
Classification: Uncertain significance for Erythrocytosis, familial, 4. Last evaluated: 2018-01-13. Review status: criteria provided, single submitter. Criteria: ICSL Variant Classification Criteria 13 December 2019. Collection method: clinical testing. Allele origin: germline.

NM_001430.5(EPAS1):c.2107T>G (p.Ser703Ala)

Gene: EPAS1 (endothelial PAS domain protein 1; plus strand). Cytogenetic location: 2p21.
Variant type: single nucleotide variant.
Coding change: c.2107T>G on transcript NM_001430.5 (MANE Select); coding-DNA position 2107, T replaced by G.
Protein change: p.Ser703Ala; replaces serine 703 with alanine.
Molecular consequence: missense variant.
Genome position (GRCh38, 1-based): chr2:46,381,657, T>G. VCF-style: chr2-46381657-T-G. GRCh37 (hg19) VCF-style: chr2-46608796-T-G.
Other names: short protein forms S703A.
Identifiers: ClinVar variation 336272 (VCV000336272.7), dbSNP rs886056088, ClinGen allele CA10613954.